The following is an entry in ClinVar:

ClinVar aggregate classification (germline): Benign/Likely benign. Review status: criteria provided, multiple submitters, no conflicts (2 of 4 stars). 3 submissions from 3 submitters: Benign (1); Likely benign (1). 1 of the submissions does not count toward it. Last evaluated 2024-09-16.

Conditions:
NCOR1-related disorder. Also called: NCOR1-related condition.

Allele frequency attached by ClinVar (database versions not stated): gnomAD exomes 0.00014 and 0.00051; ExAC 0.00051; gnomAD 0.00143 and 0.00149; TOPMed 0.00148; ESP Exome Variant Server 0.00185; 1000 Genomes Project 0.00260; 1000 Genomes Project 30x 0.00265.
gnomAD v4.1: 429 of 1,613,960 alleles (0.027%); highest among the groups gnomAD compares: African/African-American, 0.43%; 1 homozygote.

Submissions (3):

Blueprint Genetics
Classification: Likely benign. Last evaluated: 2024-09-16. Review status: criteria provided, single submitter. Criteria: ACMG Guidelines, 2015. Collection method: clinical testing. Allele origin: germline.

Labcorp Genetics (formerly Invitae), Labcorp
Classification: Benign. Last evaluated: 2018-10-10. Review status: criteria provided, single submitter. Criteria: Invitae Variant Classification Sherloc (09022015). Collection method: clinical testing. Allele origin: germline.

PreventionGenetics, part of Exact Sciences
Classification: Likely benign for NCOR1-related condition. Last evaluated: 2019-10-28. Review status: no assertion criteria provided. Collection method: clinical testing. Allele origin: germline. Not counted in ClinVar's aggregate classification.
Comment: This variant is classified as likely benign based on ACMG/AMP sequence variant interpretation guidelines (Richards et al. 2015 PMID: 25741868, with internal and published modifications).

NM_006311.4(NCOR1):c.6468G>A (p.Pro2156=)

Gene: NCOR1 (nuclear receptor corepressor 1; minus strand). Cytogenetic location: 17p12.
Variant type: single nucleotide variant.
Coding change: c.6468G>A on transcript NM_006311.4 (MANE Select); coding-DNA position 6468, G replaced by A.
Protein change: p.Pro2156=; no amino-acid change (proline 2156 retained).
Molecular consequence: synonymous variant.
Genome position (GRCh38, 1-based): chr17:16,048,913, C>T on the plus strand (G>A on the coding strand, the complement: NCOR1 is on the minus strand). VCF-style: chr17-16048913-C-T. GRCh37 (hg19) VCF-style: chr17-15952227-C-T.
Other names: c.6159G>A, p.Pro2053= (NM_001190440.2).
Identifiers: ClinVar variation 722887 (VCV000722887.6), dbSNP rs147734590, ClinGen allele CA8408025.